The following is an entry in ClinVar:

ClinVar aggregate classification (germline): Uncertain significance. Review status: criteria provided, multiple submitters, no conflicts (2 of 4 stars). 3 submissions from 3 submitters: Uncertain significance (3). Last evaluated 2025-10-31.

Conditions:
Norman-Roberts syndrome (LIS2). Also called: Lissencephaly 2 (Norman-Roberts type). Identifiers: Orphanet 89844, MedGen C0796089, MONDO:0009760, OMIM 257320.
Familial temporal lobe epilepsy 7. Identifiers: Orphanet 101046, MedGen C4225327, MONDO:0014639, OMIM 616436.

Allele frequency attached by ClinVar (database versions not stated): gnomAD exomes below 0.00001 and 0.00001; TOPMed 0.00001; gnomAD 0.00001.
gnomAD v4.1: 15 of 1,614,054 alleles (0.00093%); highest among the groups gnomAD compares: East Asian, 0.0022%; no homozygotes.

Submissions (3):

3billion
Classification: Uncertain significance for Familial temporal lobe epilepsy 7. Last evaluated: 2025-10-31. Review status: criteria provided, single submitter. Criteria: ACMG Guidelines, 2015. Collection method: clinical testing. Allele origin: germline. Affected: yes.
Comment: The variant is observed at an extremely low frequency in the gnomAD v4.1.0 dataset (total allele frequency: <0.001%). Predicted Consequence/Location: Missense variant. The majority of the known disease-causing variants of this gene are variants expected to result in premature termination of the protein. In silico tool predictions suggest damaging effect of the variant on gene or gene product [REVEL: 0.77 (>=0.6, sensitivity 0.68 and specificity 0.92)]. A different missense change at the same codon (p.Gly2783Cys) has been reported to be associated with RELN-related disorder (ClinVar ID: VCV000199433 /PMID: 26046367). However the evidence of pathogenicity is insufficient at this time. Therefore, this variant is classified as VUS according to the recommendation of ACMG/AMP guideline.

Labcorp Genetics (formerly Invitae), Labcorp
Classification: Uncertain significance for Familial temporal lobe epilepsy 7; Norman-Roberts syndrome. Last evaluated: 2024-02-22. Review status: criteria provided, single submitter. Criteria: Invitae Variant Classification Sherloc (09022015). Collection method: clinical testing. Allele origin: germline.
Comment: This sequence change replaces glycine, which is neutral and non-polar, with serine, which is neutral and polar, at codon 2783 of the RELN protein (p.Gly2783Ser). This variant is present in population databases (no rsID available, gnomAD 0.0009%). This variant has not been reported in the literature in individuals affected with RELN-related conditions. ClinVar contains an entry for this variant (Variation ID: 288532). Advanced modeling of protein sequence and biophysical properties (such as structural, functional, and spatial information, amino acid conservation, physicochemical variation, residue mobility, and thermodynamic stability) performed at Invitae indicates that this missense variant is not expected to disrupt RELN protein function with a negative predictive value of 80%. This variant disrupts the p.Gly2783 amino acid residue in RELN. Other variant(s) that disrupt this residue have been determined to be pathogenic (PMID: 26046367). This suggests that this residue is clinically significant, and that variants that disrupt this residue are likely to be disease-causing. In summary, the available evidence is currently insufficient to determine the role of this variant in disease. Therefore, it has been classified as a Variant of Uncertain Significance.

Eurofins Ntd Llc (ga)
Classification: Uncertain significance. Last evaluated: 2016-07-01. Review status: criteria provided, single submitter. Criteria: EGL Classification Definitions 2015. Collection method: clinical testing. Allele origin: germline. Observed: 1 variant allele, 1 heterozygote.

Literature cited by the submitters: PubMed 26046367 (cited by 3billion and Labcorp Genetics (formerly Invitae), Labcorp).

NM_005045.4(RELN):c.8347G>A (p.Gly2783Ser)

Genes: RELN (reelin; minus strand), SLC26A5-AS1 (SLC26A5 antisense RNA 1; plus strand). Cytogenetic location: 7q22.1.
Variant type: single nucleotide variant.
Coding change: c.8347G>A on transcript NM_005045.4 (MANE Select); coding-DNA position 8347, G replaced by A.
Protein change: p.Gly2783Ser; replaces glycine 2783 with serine.
Molecular consequence: missense variant.
Genome position (GRCh38, 1-based): chr7:103,503,158, C>T on the plus strand (G>A on the coding strand, the complement: RELN is on the minus strand). VCF-style: chr7-103503158-C-T. GRCh37 (hg19) VCF-style: chr7-103143605-C-T.
Other names: c.8347G>A, p.Gly2783Ser (NM_173054.3); short protein forms G2783S.
Identifiers: ClinVar variation 288532 (VCV000288532.10), dbSNP rs794727997, ClinGen allele CA10606124.